The following is an entry in ClinVar:

NM_015158.5(KANK1):c.2929A>G (p.Ile977Val)

Gene: KANK1 (KN motif and ankyrin repeat domains 1; plus strand). Cytogenetic location: 9p24.3.
Variant type: single nucleotide variant.
Coding change: c.2929A>G on transcript NM_015158.5 (MANE Select); coding-DNA position 2929, A replaced by G.
Protein change: p.Ile977Val; replaces isoleucine 977 with valine.
Molecular consequence: missense variant. On other transcripts: non-coding transcript variant (1).
Genome position (GRCh38, 1-based): chr9:731,190, A>G. VCF-style: chr9-731190-A-G. GRCh37 (hg19) VCF-style: chr9-731190-A-G.
Other names: c.2929A>G, p.Ile977Val (NM_001256876.3, NM_001256877.3, NM_001354331.2 and 1 more transcripts); c.2875A>G, p.Ile959Val (NM_001354332.2); c.2455A>G, p.Ile819Val (NM_001354333.2, NM_001354335.2, NM_001354337.2 and 5 more transcripts); c.2401A>G, p.Ile801Val (NM_001354336.2, NM_001354338.2, NM_001354340.2 and 1 more transcripts); short protein forms I801V, I959V, I819V, I977V.
Identifiers: ClinVar variation 1486166 (VCV001486166.9), dbSNP rs1564102615, ClinGen allele CA372755104.
Genomic context (GRCh38, chr9:731,190, plus strand): 5'-CATTTTTATTGCCTTGACTTTTTCACAGCATGTACAAACAATGAAAGTACACTGAAGTCC[A>G]TCATGAAGAAGAAAGATGGTAACAAAGATTCAAATGGCGCAAAAAAGAATCTTCAGTTTG-3'
Protein context (NP_055973.2, residues 967-987): CTNNESTLKS[Ile977Val]MKKKDGNKDS

ClinVar aggregate classification (germline): Uncertain significance. Review status: criteria provided, multiple submitters, no conflicts (2 of 4 stars). 2 submissions from 2 submitters: Uncertain significance (2). Last evaluated 2022-06-20.

Conditions:
Cerebral palsy, spastic quadriplegic, 2 (CPSQ2). Identifiers: Orphanet 210141, MedGen C2752061, MONDO:0013033, OMIM 612900.

gnomAD v4.1: 1 of 1,611,988 alleles (0.000062%); no homozygotes.

Submissions (2):

Labcorp Genetics (formerly Invitae), Labcorp
Classification: Uncertain significance. Last evaluated: 2022-06-20. Review status: criteria provided, single submitter. Criteria: Invitae Variant Classification Sherloc (09022015). Collection method: clinical testing. Allele origin: germline.
Comment: This sequence change replaces isoleucine, which is neutral and non-polar, with valine, which is neutral and non-polar, at codon 977 of the KANK1 protein (p.Ile977Val). This variant is not present in population databases (gnomAD no frequency). This variant has not been reported in the literature in individuals affected with KANK1-related conditions. Algorithms developed to predict the effect of missense changes on protein structure and function (SIFT, PolyPhen-2, Align-GVGD) all suggest that this variant is likely to be tolerated. In summary, the available evidence is currently insufficient to determine the role of this variant in disease. Therefore, it has been classified as a Variant of Uncertain Significance.

Fulgent Genetics
Classification: Uncertain significance for Cerebral palsy, spastic quadriplegic, 2. Last evaluated: 2022-03-22. Review status: criteria provided, single submitter. Criteria: ACMG Guidelines, 2015. Collection method: clinical testing. Allele origin: unknown.